The following is an entry in ClinVar:

NM_001457.4(FLNB):c.2237A>G (p.Lys746Arg)

Gene: FLNB (filamin B; plus strand). Cytogenetic location: 3p14.3.
Variant type: single nucleotide variant.
Coding change: c.2237A>G on transcript NM_001457.4 (MANE Select); coding-DNA position 2237, A replaced by G.
Protein change: p.Lys746Arg; replaces lysine 746 with arginine.
Molecular consequence: missense variant.
Genome position (GRCh38, 1-based): chr3:58,109,613, A>G. VCF-style: chr3-58109613-A-G. GRCh37 (hg19) VCF-style: chr3-58095340-A-G.
Other names: c.2237A>G, p.Lys746Arg (NM_001164317.2, NM_001164318.2, NM_001164319.2); short protein forms K746R.
Identifiers: ClinVar variation 4694711 (VCV004694711.1).

ClinVar aggregate classification (germline): Uncertain significance (1 of 4 stars; one submission).

gnomAD v4.1: 15 of 1,614,180 alleles (0.00093%); highest among the groups gnomAD compares: Non-Finnish European, 0.0013%; no homozygotes.

Submission:

Labcorp Genetics (formerly Invitae), Labcorp
Classification: Uncertain significance. Last evaluated: 2025-11-11. Review status: criteria provided, single submitter. Criteria: Invitae Variant Classification Sherloc (09022015). Collection method: clinical testing. Allele origin: germline.
Comment: This sequence change replaces lysine, which is basic and polar, with arginine, which is basic and polar, at codon 746 of the FLNB protein (p.Lys746Arg). This variant is present in population databases (rs768861338, gnomAD 0.003%). This variant has not been reported in the literature in individuals affected with FLNB-related conditions. Invitae Evidence Modeling of protein sequence and biophysical properties (such as structural, functional, and spatial information, amino acid conservation, physicochemical variation, residue mobility, and thermodynamic stability) indicates that this missense variant is not expected to disrupt FLNB protein function with a negative predictive value of 95%. In summary, the available evidence is currently insufficient to determine the role of this variant in disease. Therefore, it has been classified as a Variant of Uncertain Significance.